The following is an entry in ClinVar:

NM_000321.3(RB1):c.688T>G (p.Ser230Ala)

Gene: RB1 (RB transcriptional corepressor 1; plus strand). Cytogenetic location: 13q14.2.
Variant type: single nucleotide variant.
Coding change: c.688T>G on transcript NM_000321.3 (MANE Select); coding-DNA position 688, T replaced by G.
Protein change: p.Ser230Ala; replaces serine 230 with alanine.
Molecular consequence: missense variant.
Genome position (GRCh38, 1-based): chr13:48,360,097, T>G. VCF-style: chr13-48360097-T-G. GRCh37 (hg19) VCF-style: chr13-48934233-T-G.
Other names: short protein forms S230A.
Identifiers: ClinVar variation 1019930 (VCV001019930.8), dbSNP rs1952625902, ClinGen allele CA388158504.

ClinVar aggregate classification (germline): Uncertain significance (1 of 4 stars; one submission).

Conditions:
Retinoblastoma (RB1). Also called: RETINOBLASTOMA, SOMATIC. Identifiers: Orphanet 790, MedGen C0035335, MeSH D012175, MONDO:0008380, OMIM 180200, HP:0009919. Disease mechanism: loss of function. Inheritance: Both sporadic and heritable forms are tested..

Submission:

Labcorp Genetics (formerly Invitae), Labcorp
Classification: Uncertain significance for Retinoblastoma. Last evaluated: 2022-08-16. Review status: criteria provided, single submitter. Criteria: Invitae Variant Classification Sherloc (09022015). Collection method: clinical testing. Allele origin: germline.
Comment: This sequence change replaces serine, which is neutral and polar, with alanine, which is neutral and non-polar, at codon 230 of the RB1 protein (p.Ser230Ala). In summary, the available evidence is currently insufficient to determine the role of this variant in disease. Therefore, it has been classified as a Variant of Uncertain Significance. Algorithms developed to predict the effect of missense changes on protein structure and function (SIFT, PolyPhen-2, Align-GVGD) all suggest that this variant is likely to be tolerated. ClinVar contains an entry for this variant (Variation ID: 1019930). This variant has not been reported in the literature in individuals affected with RB1-related conditions. This variant is not present in population databases (gnomAD no frequency).